The following is an entry in ClinVar:

ClinVar aggregate classification (germline): Likely benign. Review status: criteria provided, multiple submitters, no conflicts (2 of 4 stars). 2 submissions from 2 submitters: Likely benign (2). Last evaluated 2023-10-18.

Conditions:
Emery-Dreifuss muscular dystrophy 4, autosomal dominant (EDMD4). Also called: EMERY-DREIFUSS MUSCULAR DYSTROPHY 4 WITH VARIABLE FEATURES. Identifiers: Orphanet 261, MedGen C2751807, MONDO:0013071, OMIM 612998.
Autosomal recessive ataxia, Beauce type. Also called: SYNE1 Deficiency; Spinocerebellar ataxia, autosomal recessive 8; ATAXIA, RECESSIVE, OF BEAUCE; SYNE1-Related Autosomal Recessive Cerebellar Ataxia. Identifiers: Orphanet 88644, MedGen C1853116, MONDO:0012549, OMIM 610743.

Allele frequency attached by ClinVar (database versions not stated): gnomAD 0.00001; TOPMed 0.00001; ExAC 0.00002; gnomAD exomes 0.00002.
gnomAD v4.1: 32 of 1,613,898 alleles (0.002%); highest among the groups gnomAD compares: South Asian, 0.019%; no homozygotes.

Submissions (2):

Labcorp Genetics (formerly Invitae), Labcorp
Classification: Likely benign for Emery-Dreifuss muscular dystrophy 4, autosomal dominant; Autosomal recessive ataxia, Beauce type. Last evaluated: 2023-10-18. Review status: criteria provided, single submitter. Criteria: Invitae Variant Classification Sherloc (09022015). Collection method: clinical testing. Allele origin: germline.

GeneDx
Classification: Likely benign. Last evaluated: 2017-08-17. Review status: criteria provided, single submitter. Criteria: GeneDx Variant Classification (06012015). Collection method: clinical testing. Allele origin: germline. Affected: yes.
Comment: This variant is considered likely benign or benign based on one or more of the following criteria: it is a conservative change, it occurs at a poorly conserved position in the protein, it is predicted to be benign by multiple in silico algorithms, and/or has population frequency not consistent with disease.

NM_182961.4(SYNE1):c.21825C>T (p.Ala7275=)

Gene: SYNE1 (spectrin repeat containing nuclear envelope protein 1; minus strand). Cytogenetic location: 6q25.2.
Variant type: single nucleotide variant.
Coding change: c.21825C>T on transcript NM_182961.4 (MANE Select); coding-DNA position 21825, C replaced by T.
Protein change: p.Ala7275=; no amino-acid change (alanine 7275 retained).
Molecular consequence: synonymous variant.
Genome position (GRCh38, 1-based): chr6:152,220,878, G>A on the plus strand (C>T on the coding strand, the complement: SYNE1 is on the minus strand). VCF-style: chr6-152220878-G-A. GRCh37 (hg19) VCF-style: chr6-152542013-G-A.
Other names: c.21612C>T, p.Ala7204= (NM_033071.5).
Identifiers: ClinVar variation 511569 (VCV000511569.4), dbSNP rs746044264, ClinGen allele CA4054052.
Genomic context (GRCh38, chr6:152,220,878, plus strand): 5'-AAACAAGGTAGCTCCTGAACATACGTTGCAATCTTGAATCCATGTGGCAACCTCATCATC[G>A]GCAATGTCCTTGTTTGTGGCTGCCTTCAACAGCTCATTGGTTCGATCCTCCTGCTGCTGA-3'
Protein context (NP_892006.3, residues 7265-7285): LLKAATNKDI[Ala7275=]DDEVATWIQD